The following is an entry in ClinVar:

NM_020227.4(PRDM9):c.2127T>A (p.Thr709=)

Gene: PRDM9 (PR/SET domain 9; plus strand). Cytogenetic location: 5p14.2.
Variant type: single nucleotide variant.
Coding change: c.2127T>A on transcript NM_020227.4 (MANE Select); coding-DNA position 2127, T replaced by A.
Protein change: p.Thr709=; no amino-acid change (threonine 709 retained).
Molecular consequence: synonymous variant.
Genome position (GRCh38, 1-based): chr5:23,527,215, T>A. VCF-style: chr5-23527215-T-A. GRCh37 (hg19) VCF-style: chr5-23527324-T-A.
Other names: c.2127T>A, p.Thr709= (NM_001310214.3, NM_001376900.1).
Identifiers: ClinVar variation 3039403 (VCV003039403.2), dbSNP rs200723191, ClinGen allele CA3215019.
Genomic context (GRCh38, chr5:23,527,215, plus strand): 5'-GAAGCCCTATGTCTGCAGGGAGTGTGGGCGGGGCTTTAGCTGGCAGTCAGTCCTCCTCAC[T>A]CACCAGAGGACACACACAGGGGAGAAGCCCTATGTCTGCAGGGAGTGTGGGCGGGGCTTT-3'
Protein context (NP_064612.2, residues 699-719): RGFSWQSVLL[Thr709=]HQRTHTGEKP

ClinVar aggregate classification (germline): Likely benign (0 of 4 stars; one submission).

Conditions:
PRDM9-related disorder. Also called: PRDM9-related condition.

Allele frequency attached by ClinVar (database versions not stated): ExAC 0.00052; gnomAD 0.00024; 1000 Genomes Project 0.09824.

Submission:

PreventionGenetics, part of Exact Sciences
Classification: Likely benign for PRDM9-related condition. Last evaluated: 2022-08-17. Review status: no assertion criteria provided. Collection method: clinical testing. Allele origin: germline.
Comment: This variant is classified as likely benign based on ACMG/AMP sequence variant interpretation guidelines (Richards et al. 2015 PMID: 25741868, with internal and published modifications).